The following is an entry in ClinVar:

NM_000261.2(MYOC):c.484_486dup (p.Glu162_Asn163insGlu)

Gene: MYOC (myocilin; minus strand). Cytogenetic location: 1q24.3.
Variant type: Duplication.
Coding change: c.484_486dup on transcript NM_000261.2 (MANE Select); coding-DNA positions 484 to 486, 3 bases duplicated (GAA; older notation c.484_486dupGAA).
Protein change: p.Glu162_Asn163insGlu.
Molecular consequence: inframe insertion.
Genome position (GRCh38, 1-based): chr1:171,652,126-171,652,128, TTC duplicated on the plus strand (GAA on the coding strand, the reverse complement: MYOC is on the minus strand); duplicating any 3 consecutive bases within chr1:171,652,126-171,652,130 gives the same sequence; the c. name uses the placement nearest the transcript's 3' end. VCF-style (leftmost placement, unchanged base first): chr1-171652125-T-TTTC. GRCh37 (hg19) VCF-style: chr1-171621265-T-TTTC.
Other names: NM_000261.2:c.484_486dup.
Identifiers: ClinVar variation 1723171 (VCV001723171.1), dbSNP rs2527873046, ClinGen allele CA1139770939.
Genomic context (GRCh38, chr1:171,652,125, plus strand): 5'-CCCTTCTCAGCCTTGCTACCTCCTGGCTGCTGCTTTCCAACCTCCTGGCCAGATTCTCAT[T>TTTC]TTCTTGCCTTAGTCGCTTCTTCTCTTCCTCCAGAACTGACTTGTCTCGGAGGAGGTTGCT-3'

ClinVar aggregate classification (germline): Uncertain significance (3 of 4 stars; one submission).

Conditions:
Open-angle glaucoma. Identifiers: MedGen C0017612, MONDO:0005338, HP:0012108.

Submission:

ClinGen Glaucoma Variant Curation Expert Panel
Classification: Uncertain significance for Open-angle glaucoma. Last evaluated: 2026-01-12. Review status: reviewed by expert panel. Criteria: ClinGen Glaucoma ACMG Specifications V2.0.0 Approved. Collection method: curation. Allele origin: germline. Inheritance: Autosomal dominant inheritance.
Comment: The c.484_486dup variant in MYOC is predicted to cause a change in the length of the protein due to an in-frame insertion of 1 amino acid (p.Glu162dup). This in-frame insertion variant is predicted to involve ≤ 10% of the protein and is not within the conserved olfactomedin domain, thus PM4 did not apply. This variant was not found in any genetic ancestry group of gnomAD (v4.1.0), meeting the ≤ 0.0001 threshold set for PM2_Supporting in a genetic ancestry group of at least 10,000 alleles. There was no functional evidence predicting a damaging or benign impact of this variant on MYOC function. Only 1 proband with OHT had been reported (PMID: 12215093), not meeting the ≥ 2 probands threshold required to meet PS4_Supporting. In summary, this variant met the criteria to receive a score of 1 and to be classified as a variant of uncertain significance (uncertain significance classification range -1 to 5, adapted from PMID: 32720330) for primary open angle glaucoma based on the ACMG/AMP criteria met, as specified by the ClinGen Glaucoma VCEP (v2.0.0, 5 Dec 2024): PM2_Supporting.